The following is an entry in ClinVar:

NM_020778.5(ALPK3):c.1958C>T (p.Ser653Leu)

Gene: ALPK3 (alpha kinase 3; plus strand). Cytogenetic location: 15q25.3.
Variant type: single nucleotide variant.
Coding change: c.1958C>T on transcript NM_020778.5 (MANE Select); coding-DNA position 1958, C replaced by T.
Protein change: p.Ser653Leu; replaces serine 653 with leucine.
Molecular consequence: missense variant.
Genome position (GRCh38, 1-based): chr15:84,856,696, C>T. VCF-style: chr15-84856696-C-T. GRCh37 (hg19) VCF-style: chr15-85399927-C-T.
Other names: short protein forms S653L.
Identifiers: ClinVar variation 3533012 (VCV003533012.1).
Genomic context (GRCh38, chr15:84,856,696, plus strand): 5'-CACGTGCAGATAGGAAGACGCAGGTGGATGCTGGGACACAAGAAAGCAAGAGGCCACAGT[C>T]AGACAGGAGTGCACAGAAGGGCATGATGACACAGGGAAGGGCAGAGACACAGCTAGAAAC-3'
Protein context (NP_065829.4, residues 643-663): AGTQESKRPQ[Ser653Leu]DRSAQKGMMT

ClinVar aggregate classification (germline): Uncertain significance (1 of 4 stars; one submission).

Conditions:
Cardiovascular phenotype. Identifiers: MedGen CN230736.

gnomAD v4.1: 2 of 1,614,062 alleles (0.00012%); highest among the groups gnomAD compares: Non-Finnish European, 0.00017%; no homozygotes.

Submission:

Ambry Genetics
Classification: Uncertain significance for Cardiovascular phenotype. Last evaluated: 2024-08-23. Review status: criteria provided, single submitter. Criteria: Ambry Variant Classification Scheme 2023. Collection method: clinical testing. Allele origin: germline.
Comment: The p.S855L variant (also known as c.2564C>T), located in coding exon 6 of the ALPK3 gene, results from a C to T substitution at nucleotide position 2564. The serine at codon 855 is replaced by leucine, an amino acid with dissimilar properties. This amino acid position is conserved. In addition, this alteration is predicted to be tolerated by in silico analysis. Based on the available evidence, the clinical significance of this variant remains unclear.